The following is an entry in ClinVar:

NM_182476.3(COQ6):c.622G>C (p.Asp208His)

Genes: COQ6 (coenzyme Q6, monooxygenase; plus strand), ENTPD5 (ectonucleoside triphosphate diphosphohydrolase 5; minus strand). Cytogenetic location: 14q24.3.
Variant type: single nucleotide variant.
Coding change: c.622G>C on transcript NM_182476.3 (MANE Select); coding-DNA position 622, G replaced by C.
Protein change: p.Asp208His; replaces aspartic acid 208 with histidine.
Molecular consequence: missense variant. On other transcripts: 3 prime UTR variant (3), intron variant (2).
Genome position (GRCh38, 1-based): chr14:73,958,980, G>C. VCF-style: chr14-73958980-G-C. GRCh37 (hg19) VCF-style: chr14-74425683-G-C.
Other names: c.622G>C, p.Asp208His (NM_001425255.1, NM_001425256.1); c.457G>C, p.Asp153His (NM_001425257.1); c.547G>C, p.Asp183His (NM_001425258.1, NM_182480.3); c.397G>C, p.Asp133His (NM_001425259.1, NM_001425260.1, NM_001425261.1); c.367G>C, p.Asp123His (NM_001425262.1); c.295G>C, p.Asp99His (NM_001425263.1); c.82G>C, p.Asp28His (NM_001425264.1, NM_001425265.1); c.*550C>G (NM_001330189.2, NM_001382259.1, NM_001382260.1); and 2 more; short protein forms D208H, D183H.
Identifiers: ClinVar variation 157517 (VCV000157517.6), dbSNP rs606231262, ClinGen allele CA233259.

ClinVar aggregate classification (germline): Uncertain significance. Review status: criteria provided, multiple submitters, no conflicts (2 of 4 stars). 3 submissions from 3 submitters: Uncertain significance (2). 1 of the submissions does not count toward it. Last evaluated 2024-04-12.

Conditions:
Inborn genetic diseases. Identifiers: MedGen C0950123, MeSH D030342.

Allele frequency attached by ClinVar (database versions not stated): gnomAD exomes below 0.00001 and 0.00001; gnomAD 0.00001; TOPMed 0.00001.
gnomAD v4.1: 10 of 1,613,860 alleles (0.00062%); highest among the groups gnomAD compares: East Asian, 0.0022%; no homozygotes.

Submissions (3):

Ambry Genetics
Classification: Uncertain significance for Inborn genetic diseases. Last evaluated: 2024-04-12. Review status: criteria provided, single submitter. Criteria: Ambry Variant Classification Scheme 2023. Collection method: clinical testing. Allele origin: germline.

GeneDx
Classification: Uncertain significance. Last evaluated: 2020-01-23. Review status: criteria provided, single submitter. Criteria: GeneDx Variant Classification Process June 2021. Collection method: clinical testing. Allele origin: germline. Affected: yes.
Comment: Not observed at a significant frequency in large population cohorts (Lek et al., 2016); In silico analysis, which includes protein predictors and evolutionary conservation, supports a deleterious effect; This variant is associated with the following publications: (PMID: 27921248, 26808124, 24763291, 25835193, 26427841)

OMIM
Classification: Uncertain significance for VARIANT OF UNKNOWN SIGNIFICANCE. Last evaluated: 2014-10-01. Review status: no assertion criteria provided. Collection method: literature only. Allele origin: germline. Not counted in ClinVar's aggregate classification.

Literature cited by the submitters: PubMed 24763291 (cited by Ambry Genetics and OMIM).